The following is an entry in ClinVar:

NM_000038.6(APC):c.8499C>G (p.Arg2833=)

Gene: APC (APC regulator of Wnt signaling pathway; plus strand). Cytogenetic location: 5q22.2.
Variant type: single nucleotide variant.
Coding change: c.8499C>G on transcript NM_000038.6 (MANE Select); coding-DNA position 8499, C replaced by G.
Protein change: p.Arg2833=; no amino-acid change (arginine 2833 retained).
Molecular consequence: synonymous variant.
Genome position (GRCh38, 1-based): chr5:112,844,093, C>G. VCF-style: chr5-112844093-C-G. GRCh37 (hg19) VCF-style: chr5-112179790-C-G.
Other names: c.8499C>G, p.Arg2833= (NM_001127510.3, NM_001354895.2); c.8445C>G, p.Arg2815= (NM_001127511.3); c.8553C>G, p.Arg2851= (NM_001354896.2); c.8529C>G, p.Arg2843= (NM_001354897.2); c.8424C>G, p.Arg2808= (NM_001354898.2); c.8415C>G, p.Arg2805= (NM_001354899.2); c.8376C>G, p.Arg2792= (NM_001354900.2); c.8322C>G, p.Arg2774= (NM_001354901.2); and 5 more.
Identifiers: ClinVar variation 232290 (VCV000232290.20), dbSNP rs757921527, ClinGen allele CA10578464.

ClinVar aggregate classification (germline): Benign/Likely benign. Review status: criteria provided, multiple submitters, no conflicts (2 of 4 stars). 7 submissions from 7 submitters: Benign (1); Likely benign (6). Last evaluated 2026-01-18.

Conditions:
Hereditary cancer-predisposing syndrome. Also called: Neoplastic Syndromes, Hereditary; Tumor predisposition; Hereditary Cancer Syndrome; Hereditary neoplastic syndrome. Identifiers: Orphanet 140162, MedGen C0027672, MeSH D009386, MONDO:0015356.
Familial adenomatous polyposis 1 (FAP1). Also called: FAMILIAL ADENOMATOUS POLYPOSIS 1, ATTENUATED; POLYPOSIS, ADENOMATOUS INTESTINAL. Identifiers: MedGen C2713442, MONDO:0021056, OMIM 175100. Disease mechanism: loss of function.
Classic or attenuated familial adenomatous polyposis. Identifiers: MedGen CN372698, MONDO:0021057.

Allele frequency attached by ClinVar (database versions not stated): TOPMed below 0.00001; gnomAD 0.00001.
gnomAD v4.1: 22 of 1,611,722 alleles (0.0014%); highest among the groups gnomAD compares: Non-Finnish European, 0.0019%; no homozygotes.

Submissions (7):

Labcorp Genetics (formerly Invitae), Labcorp
Classification: Likely benign for Familial adenomatous polyposis 1. Last evaluated: 2026-01-18. Review status: criteria provided, single submitter. Criteria: Invitae Variant Classification Sherloc (09022015). Collection method: clinical testing. Allele origin: germline.

Myriad Genetics, Inc.
Classification: Benign for Familial adenomatous polyposis 1. Last evaluated: 2024-04-16. Review status: criteria provided, single submitter. Criteria: Myriad Autosomal Dominant, Autosomal Recessive and X-Linked Classification Criteria (2023). Collection method: clinical testing. Allele origin: unknown.
Comment: This variant is considered benign. This variant is a silent/synonymous amino acid change and it is not expected to impact splicing.

All of Us Research Program, National Institutes of Health
Classification: Likely benign for Classic or attenuated familial adenomatous polyposis. Last evaluated: 2024-03-05. Review status: criteria provided, single submitter. Criteria: ACMG Guidelines, 2015. Collection method: clinical testing. Allele origin: germline. Inheritance: Autosomal dominant inheritance. Observed: 1 variant allele, 1 heterozygote.
Comment: This study involves interpretation of variants in research participants for the purpose of population health screening. Participant phenotype was not available at the time of variant classification. Additional details can be found in publication PMID: 35346344, PMCID: PMC8962531

Sema4
Classification: Likely benign for Hereditary cancer-predisposing syndrome. Last evaluated: 2021-09-16. Review status: criteria provided, single submitter. Criteria: Sema4 Curation Guidelines. Collection method: curation. Allele origin: germline.

Color Diagnostics, LLC DBA Color Health
Classification: Likely benign for Hereditary cancer-predisposing syndrome. Last evaluated: 2018-10-16. Review status: criteria provided, single submitter. Criteria: ACMG Guidelines, 2015. Collection method: clinical testing. Allele origin: germline.

GeneDx
Classification: Likely benign. Last evaluated: 2018-05-16. Review status: criteria provided, single submitter. Criteria: GeneDx Variant Classification (06012015). Collection method: clinical testing. Allele origin: germline. Affected: yes.
Comment: This variant is considered likely benign or benign based on one or more of the following criteria: it is a conservative change, it occurs at a poorly conserved position in the protein, it is predicted to be benign by multiple in silico algorithms, and/or has population frequency not consistent with disease.

Ambry Genetics
Classification: Likely benign for Hereditary cancer-predisposing syndrome. Last evaluated: 2015-06-04. Review status: criteria provided, single submitter. Criteria: Ambry Variant Classification Scheme 2023. Collection method: clinical testing. Allele origin: germline.